The following is an entry in ClinVar:

NM_000018.4(ACADVL):c.1624C>T (p.Gln542Ter)

Gene: ACADVL (acyl-CoA dehydrogenase very long chain; plus strand). Cytogenetic location: 17p13.1.
Variant type: single nucleotide variant.
Coding change: c.1624C>T on transcript NM_000018.4 (MANE Select); coding-DNA position 1624, C replaced by T.
Protein change: p.Gln542Ter; replaces glutamine 542 with a stop codon.
Molecular consequence: nonsense.
Genome position (GRCh38, 1-based): chr17:7,224,498, C>T. VCF-style: chr17-7224498-C-T. GRCh37 (hg19) VCF-style: chr17-7127817-C-T.
Other names: c.1558C>T, p.Gln520Ter (NM_001033859.3); c.1693C>T, p.Gln565Ter (NM_001270447.2); c.1396C>T, p.Gln466Ter (NM_001270448.2); short protein forms Q520*, Q542*, Q565*, Q466*.
Identifiers: ClinVar variation 2718168 (VCV002718168.3), dbSNP rs1027833102, ClinGen allele CA287440532.

ClinVar aggregate classification (germline): Pathogenic (1 of 4 stars; one submission).

Conditions:
Very long chain acyl-CoA dehydrogenase deficiency (ACADVLD). Also called: VLCAD Deficiency; Very Long-Chain Acyl-Coenzyme A Dehydrogenase Deficiency. Identifiers: Orphanet 26793, MedGen C3887523, MONDO:0008723, OMIM 201475.

Submission:

Labcorp Genetics (formerly Invitae), Labcorp
Classification: Pathogenic for Very long chain acyl-CoA dehydrogenase deficiency. Last evaluated: 2023-06-17. Review status: criteria provided, single submitter. Criteria: Invitae Variant Classification Sherloc (09022015). Collection method: clinical testing. Allele origin: germline.
Comment: This sequence change creates a premature translational stop signal (p.Gln542*) in the ACADVL gene. It is expected to result in an absent or disrupted protein product. Loss-of-function variants in ACADVL are known to be pathogenic (PMID: 9973285, 11590124). This variant is not present in population databases (gnomAD no frequency). This variant has not been reported in the literature in individuals affected with ACADVL-related conditions. For these reasons, this variant has been classified as Pathogenic.

Literature cited by the submitters: PubMed 9973285; PubMed 11590124.